The following is an entry in ClinVar:

ClinVar aggregate classification (germline): Uncertain significance (1 of 4 stars; one submission).

Conditions:
Familial sleep-related hypermotor epilepsy. Also called: Autosomal Dominant Sleep-Related Hypermotor (Hyperkinetic) Epilepsy. Identifiers: Orphanet 98784, MedGen C3696898, MONDO:0000030.

Allele frequency attached by ClinVar (database versions not stated): gnomAD exomes 0.00001; TOPMed 0.00005.
gnomAD v4.1: 13 of 1,613,840 alleles (0.00081%); highest among the groups gnomAD compares: African/African-American, 0.0013%; no homozygotes.

Submission:

Labcorp Genetics (formerly Invitae), Labcorp
Classification: Uncertain significance. Last evaluated: 2019-08-08. Review status: criteria provided, single submitter. Criteria: Invitae Variant Classification Sherloc (09022015). Collection method: clinical testing. Allele origin: germline.
Comment: In summary, the available evidence is currently insufficient to determine the role of this variant in disease. Therefore, it has been classified as a Variant of Uncertain Significance. Algorithms developed to predict the effect of missense changes on protein structure and function are either unavailable or do not agree on the potential impact of this missense change (SIFT: "Tolerated"; PolyPhen-2: "Probably Damaging"; Align-GVGD: "Class C0"). This variant has not been reported in the literature in individuals with CHRNA4-related conditions. This variant is not present in population databases (ExAC no frequency). This sequence change replaces valine with methionine at codon 330 of the CHRNA4 protein (p.Val330Met). The valine residue is highly conserved and there is a small physicochemical difference between valine and methionine.

NM_000744.7(CHRNA4):c.988G>A (p.Val330Met)

Gene: CHRNA4 (cholinergic receptor nicotinic alpha 4 subunit; minus strand). Cytogenetic location: 20q13.33.
Variant type: single nucleotide variant.
Coding change: c.988G>A on transcript NM_000744.7 (MANE Select); coding-DNA position 988, G replaced by A.
Protein change: p.Val330Met; replaces valine 330 with methionine.
Molecular consequence: missense variant. On other transcripts: non-coding transcript variant (1).
Genome position (GRCh38, 1-based): chr20:63,350,423, C>T on the plus strand (G>A on the coding strand, the complement: CHRNA4 is on the minus strand). VCF-style: chr20-63350423-C-T. GRCh37 (hg19) VCF-style: chr20-61981775-C-T.
Other names: c.460G>A, p.Val154Met (NM_001256573.2); short protein forms V154M, V330M.
Identifiers: ClinVar variation 955539 (VCV000955539.9), dbSNP rs951238893, ClinGen allele CA317435497.
Genomic context (GRCh38, chr20:63,350,423, plus strand): 5'-CCAGGAAGACCCTGCGTACCCAGGTGGGCATGGTGTGCGTGCGTGGCGAGCGGTGGTGCA[C>T]GTTGAGCACGAAGACCGTGATGACGATGGACAGGGTGACGAAGATCATGGTGAACAGCAG-3'
Protein context (NP_000735.1, residues 320-340): SIVITVFVLN[Val330Met]HHRSPRTHTM